The following is an entry in ClinVar:

NM_001370466.1(NOD2):c.907C>T (p.Pro303Ser)

Gene: NOD2 (nucleotide binding oligomerization domain containing 2; plus strand). Cytogenetic location: 16q12.1.
Variant type: single nucleotide variant.
Coding change: c.907C>T on transcript NM_001370466.1 (MANE Select); coding-DNA position 907, C replaced by T.
Protein change: p.Pro303Ser; replaces proline 303 with serine.
Molecular consequence: missense variant. On other transcripts: non-coding transcript variant (1).
Genome position (GRCh38, 1-based): chr16:50,710,899, C>T. VCF-style: chr16-50710899-C-T. GRCh37 (hg19) VCF-style: chr16-50744810-C-T.
Other names: c.988C>T (NM_022162.2); c.907C>T, p.Pro303Ser (NM_001293557.2); c.988C>T, p.Pro330Ser (NM_022162.3); short protein forms P303S, P330S.
Identifiers: ClinVar variation 811984 (VCV000811984.13), dbSNP rs773132030, ClinGen allele CA8051438.
Genomic context (GRCh38, chr16:50,710,899, plus strand): 5'-CAGCGGCTGCACTTGCTGTGGGCTGCAGGGCAAGACTTCCAGGAATTTCTCTTTGTCTTC[C>T]CATTCAGCTGCCGGCAGCTGCAGTGCATGGCCAAACCACTCTCTGTGCGGACTCTACTCT-3'
Protein context (NP_001357395.1, residues 293-313): QDFQEFLFVF[Pro303Ser]FSCRQLQCMA

ClinVar aggregate classification (germline): Uncertain significance. Review status: criteria provided, multiple submitters, no conflicts (2 of 4 stars). 4 submissions from 4 submitters: Uncertain significance (4). Last evaluated 2026-01-11.

Conditions:
Yao syndrome. Also called: Susceptibility to Yao syndrome. Identifiers: MedGen C4310620, MONDO:0015019, OMIM 617321.
Blau syndrome (BLAUS). Also called: GRANULOMATOSIS, FAMILIAL JUVENILE SYSTEMIC; GRANULOMATOSIS, FAMILIAL, BLAU TYPE; GRANULOMATOUS INFLAMMATORY ARTHRITIS, DERMATITIS, AND UVEITIS, FAMILIAL; JABS SYNDROME; ARTHROCUTANEOUVEAL GRANULOMATOSIS. Identifiers: Orphanet 90340, MedGen C5201146, MONDO:0008523, OMIM 186580.
Inflammatory bowel disease 1 (IBD1). Also called: Inflammatory bowel disease 1, Crohn disease; INFLAMMATORY BOWEL DISEASE (CROHN DISEASE) 1. Identifiers: MedGen CN260071, MONDO:0009960, OMIM 266600.
Regional enteritis. Also called: Enteritis, Granulomatous. Identifiers: MedGen C0678202, MeSH D003424.

Allele frequency attached by ClinVar (database versions not stated): ExAC 0.00002; gnomAD exomes 0.00002 and 0.00009; TOPMed 0.00002; gnomAD 0.00003.
gnomAD v4.1: 131 of 1,614,032 alleles (0.0081%); highest among the groups gnomAD compares: Non-Finnish European, 0.01%; no homozygotes.

Submissions (4):

Labcorp Genetics (formerly Invitae), Labcorp
Classification: Uncertain significance for Regional enteritis; Blau syndrome. Last evaluated: 2026-01-11. Review status: criteria provided, single submitter. Criteria: Invitae Variant Classification Sherloc (09022015). Collection method: clinical testing. Allele origin: germline.
Comment: This sequence change replaces proline, which is neutral and non-polar, with serine, which is neutral and polar, at codon 330 of the NOD2 protein (p.Pro330Ser). This variant is present in population databases (rs773132030, gnomAD 0.004%). This variant has not been reported in the literature in individuals affected with NOD2-related conditions. ClinVar contains an entry for this variant (Variation ID: 811984). Invitae Evidence Modeling of protein sequence and biophysical properties (such as structural, functional, and spatial information, amino acid conservation, physicochemical variation, residue mobility, and thermodynamic stability) has been performed for this missense variant. However, the output from this modeling did not meet the statistical confidence thresholds required to predict the impact of this variant on NOD2 protein function. In summary, the available evidence is currently insufficient to determine the role of this variant in disease. Therefore, it has been classified as a Variant of Uncertain Significance.

Blueprint Genetics
Classification: Uncertain significance. Last evaluated: 2024-06-04. Review status: criteria provided, single submitter. Criteria: ACMG Guidelines, 2015. Collection method: clinical testing. Allele origin: germline.

Fulgent Genetics
Classification: Uncertain significance for Blau syndrome; Inflammatory bowel disease 1; Yao syndrome. Last evaluated: 2024-05-06. Review status: criteria provided, single submitter. Criteria: ACMG Guidelines, 2015. Collection method: clinical testing. Allele origin: germline.

ARUP Laboratories, Molecular Genetics and Genomics, ARUP Laboratories
Classification: Uncertain significance. Last evaluated: 2019-05-04. Review status: criteria provided, single submitter. Criteria: ARUP Molecular Germline Variant Investigation Process. Collection method: clinical testing. Allele origin: germline.